The following is an entry in ClinVar:

ClinVar aggregate classification (germline): Likely benign (1 of 4 stars; one submission).

Allele frequency attached by ClinVar (database versions not stated): 1000 Genomes Project 0.00080; 1000 Genomes Project 30x 0.00125; ESP Exome Variant Server 0.00208; gnomAD 0.00261; TOPMed 0.00308.

Submission:

CeGaT Center for Human Genetics Tuebingen
Classification: Likely benign. Last evaluated: 2022-03-01. Review status: criteria provided, single submitter. Criteria: CeGaT Center For Human Genetics Tuebingen Variant Classification Criteria Version 2. Collection method: clinical testing. Allele origin: germline. Affected: yes. Observed: 1 variant allele.
Comment: COQ3: BP4, BP7

NM_017421.4(COQ3):c.540C>T (p.Asn180=)

Gene: COQ3 (coenzyme Q3, methyltransferase; minus strand). Cytogenetic location: 6q16.2.
Variant type: single nucleotide variant.
Coding change: c.540C>T on transcript NM_017421.4 (MANE Select); coding-DNA position 540, C replaced by T.
Protein change: p.Asn180=; no amino-acid change (asparagine 180 retained).
Molecular consequence: synonymous variant.
Genome position (GRCh38, 1-based): chr6:99,376,129, G>A on the plus strand (C>T on the coding strand, the complement: COQ3 is on the minus strand). VCF-style: chr6-99376129-G-A. GRCh37 (hg19) VCF-style: chr6-99824005-G-A.
Identifiers: ClinVar variation 2656779 (VCV002656779.24), dbSNP rs142295782, ClinGen allele CA3934225.